The following is an entry in ClinVar:

NM_182894.3(VSX2):c.342G>T (p.Pro114=)

Gene: VSX2 (visual system homeobox 2; plus strand). Cytogenetic location: 14q24.3.
Variant type: single nucleotide variant.
Coding change: c.342G>T on transcript NM_182894.3 (MANE Select); coding-DNA position 342, G replaced by T.
Protein change: p.Pro114=; no amino-acid change (proline 114 retained).
Molecular consequence: synonymous variant.
Genome position (GRCh38, 1-based): chr14:74,239,903, G>T. VCF-style: chr14-74239903-G-T. GRCh37 (hg19) VCF-style: chr14-74706606-G-T.
Identifiers: ClinVar variation 3036382 (VCV003036382.2), dbSNP rs2504946217, ClinGen allele CA487265001.

ClinVar aggregate classification (germline): Likely benign (0 of 4 stars; one submission).

Conditions:
VSX2-related disorder. Also called: VSX2-related condition.

gnomAD v4.1: 1 of 1,570,826 alleles (0.000064%); highest among the groups gnomAD compares: South Asian, 0.0012%; no homozygotes.

Submission:

PreventionGenetics, part of Exact Sciences
Classification: Likely benign for VSX2-related condition. Last evaluated: 2020-06-01. Review status: no assertion criteria provided. Collection method: clinical testing. Allele origin: germline.
Comment: This variant is classified as likely benign based on ACMG/AMP sequence variant interpretation guidelines (Richards et al. 2015 PMID: 25741868, with internal and published modifications).